The following is an entry in ClinVar:

ClinVar aggregate classification (germline): Uncertain significance (1 of 4 stars; one submission).

Submission:

Greenwood Genetic Center Diagnostic Laboratories, Greenwood Genetic Center
Classification: Uncertain significance. Last evaluated: 2023-06-23. Review status: criteria provided, single submitter. Criteria: ACMG Guidelines, 2015. Collection method: clinical testing. Allele origin: germline. Affected: yes.
Comment: PM2, BP4

NM_004463.3(FGD1):c.2431C>T (p.Leu811=)

Gene: FGD1 (FYVE, RhoGEF and PH domain containing 1; minus strand). Cytogenetic location: Xp11.22.
Variant type: single nucleotide variant.
Coding change: c.2431C>T on transcript NM_004463.3 (MANE Select); coding-DNA position 2431, C replaced by T.
Protein change: p.Leu811=; no amino-acid change (leucine 811 retained).
Molecular consequence: synonymous variant.
Genome position (GRCh38, 1-based): chrX:54,448,811, G>A on the plus strand (C>T on the coding strand, the complement: FGD1 is on the minus strand). VCF-style: chrX-54448811-G-A. GRCh37 (hg19) VCF-style: chrX-54475244-G-A.
Identifiers: ClinVar variation 2572291 (VCV002572291.1), dbSNP rs2522691292, ClinGen allele CA516591912.
Genomic context (GRCh38, chrX:54,448,811, plus strand): 5'-AGAGTTGGAACCCATTTGCCCACTGTGGGAGAGTTAGTCAGGGGCTGGCTCTTACCTCCA[G>A]GATGGACCTCCGGCGCTGGGGTGTATGCTGGCTGCAGGCTGGACTGCTCCCAGGCACCCC-3'
Protein context (NP_004454.2, residues 801-821): QHTPQRRRSI[Leu811=]EKQASVAAEN